The following is an entry in ClinVar:

ClinVar aggregate classification (germline): Uncertain significance (1 of 4 stars; one submission).

Conditions:
Walker-Warburg congenital muscular dystrophy. Also called: Muscular dystrophy-dystroglycanopathy, type A; Walker-Warburg syndrome. Identifiers: Orphanet 899, MedGen C0265221, MONDO:0000171.
Muscular dystrophy-dystroglycanopathy (congenital with impaired intellectual development), type B, 1. Also called: MUSCULAR DYSTROPHY, CONGENITAL, POMT1-RELATED; Muscular dystrophy-dystroglycanopathy (congenital with intellectual disability), type B1. Identifiers: MedGen C5436962, MONDO:0013159, OMIM 613155.
Autosomal recessive limb-girdle muscular dystrophy type 2K. Also called: MUSCULAR DYSTROPHY-DYSTROGLYCANOPATHY (LIMB-GIRDLE), TYPE C, 1; MUSCULAR DYSTROPHY, LIMB-GIRDLE, TYPE 2K. Identifiers: Orphanet 86812, MedGen C1836373, MONDO:0012248, OMIM 609308.

Allele frequency attached by ClinVar (database versions not stated): gnomAD exomes below 0.00001.
gnomAD v4.1: 1 of 1,593,124 alleles (0.000063%); highest among the groups gnomAD compares: South Asian, 0.0011%; no homozygotes.

Submission:

Labcorp Genetics (formerly Invitae), Labcorp
Classification: Uncertain significance for Muscular dystrophy-dystroglycanopathy (congenital with impaired intellectual development), type B, 1; Walker-Warburg congenital muscular dystrophy; Autosomal recessive limb-girdle muscular dystrophy type 2K. Last evaluated: 2022-02-10. Review status: criteria provided, single submitter. Criteria: Invitae Variant Classification Sherloc (09022015). Collection method: clinical testing. Allele origin: germline.
Comment: In summary, the available evidence is currently insufficient to determine the role of this variant in disease. Therefore, it has been classified as a Variant of Uncertain Significance. Algorithms developed to predict the effect of missense changes on protein structure and function (SIFT, PolyPhen-2, Align-GVGD) all suggest that this variant is likely to be tolerated. This variant has not been reported in the literature in individuals affected with POMT1-related conditions. This variant is not present in population databases (gnomAD no frequency). This sequence change replaces glutamine, which is neutral and polar, with arginine, which is basic and polar, at codon 694 of the POMT1 protein (p.Gln694Arg).

NM_001077365.2(POMT1):c.2015A>G (p.Gln672Arg)

Gene: POMT1 (protein O-mannosyltransferase 1; plus strand). Cytogenetic location: 9q34.13.
Variant type: single nucleotide variant.
Coding change: c.2015A>G on transcript NM_001077365.2 (MANE Select); coding-DNA position 2015, A replaced by G.
Protein change: p.Gln672Arg; replaces glutamine 672 with arginine.
Molecular consequence: missense variant. On other transcripts: non-coding transcript variant (10).
Genome position (GRCh38, 1-based): chr9:131,522,943, A>G. VCF-style: chr9-131522943-A-G. GRCh37 (hg19) VCF-style: chr9-134398330-A-G.
Other names: c.1853A>G, p.Gln618Arg (NM_001077366.2, NM_001353194.2); c.2015A>G, p.Gln672Arg (NM_001136113.2); c.1664A>G, p.Gln555Arg (NM_001136114.2, NM_001353195.2, NM_001374691.1 and 2 more transcripts); c.2081A>G, p.Gln694Arg (NM_001353193.2, NM_007171.4); c.1925A>G, p.Gln642Arg (NM_001353196.2); c.1919A>G, p.Gln640Arg (NM_001353197.2, NM_001353198.2); c.1730A>G, p.Gln577Arg (NM_001353199.2); c.1559A>G, p.Gln520Arg (NM_001353200.2); and 4 more; short protein forms Q599R, Q618R, Q668R, Q694R, Q542R, Q577R, Q642R, Q520R.
Identifiers: ClinVar variation 1985022 (VCV001985022.4), dbSNP rs2539508276, ClinGen allele CA375314926.